The following continues an entry in ClinVar:

NM_007294.4(BRCA1):c.427G>T (p.Glu143Ter)

Gene: BRCA1. ClinVar aggregate classification (germline): Pathogenic. Pathogenic (1).

Submissions 20 to 31 of 31:

Laboratory for Molecular Medicine, Mass General Brigham Personalized Medicine
Classification: Pathogenic for Hereditary breast ovarian cancer syndrome. Last evaluated: 2019-10-14. Review status: criteria provided, single submitter. Criteria: ACMG Guidelines, 2015. Collection method: clinical testing. Allele origin: germline. Not counted in ClinVar's aggregate classification.
Comment: The p.Glu143X variant in BRCA1 has been reported in >15 individuals with BRCA1-related cancers (Shattuck-Eidens 1997, Caligo 2009, Cunningham 2014, Susswein 2016, Lowery 2018, Yurgelun 2019, BIC database). It was absent from large population studies. This frameshift variant leads to a premature termination codon at position 143, which is predicted to lead to a truncated or absent protein. Loss of function of the BRCA1 gene is an established disease mechanism in autosomal dominant hereditary breast and ovarian cancer syndrome (HBOC). Additionally, this variant was classified as Pathogenic on Apr 22, 2016 by the ClinGen-approved ENIGMA expert panel (Variation ID: 37581). In summary, this variant meets criteria to be classified as pathogenic for autosomal dominant HBOC. ACMG/AMP Criteria applied: PVS1, PM2, PS4.

Baylor Genetics
Classification: Pathogenic for Familial cancer of breast. Last evaluated: 2017-02-23. Review status: criteria provided, single submitter. Criteria: ACMG Guidelines, 2015. Collection method: clinical testing. Allele origin: germline. Inheritance: Autosomal dominant inheritance. Affected: yes. Observed: 1 variant allele. Not counted in ClinVar's aggregate classification.

Consortium of Investigators of Modifiers of BRCA1/2 (CIMBA), c/o University of Cambridge
Classification: Pathogenic for Breast-ovarian cancer, familial, susceptibility to, 1. Last evaluated: 2015-10-02. Review status: criteria provided, single submitter. Criteria: CIMBA Mutation Classification guidelines May 2016. Collection method: clinical testing. Allele origin: germline. Not counted in ClinVar's aggregate classification.

Molecular Genetics Laboratory, University of Michigan
Classification: Pathogenic for Breast-ovarian cancer, familial, susceptibility to, 1. Last evaluated: 2014-11-03. Review status: criteria provided, single submitter. Criteria: ACMG Guidelines, 2015. Collection method: clinical testing. Allele origin: germline. Affected: yes. Not counted in ClinVar's aggregate classification.

BRCAlab, Lund University
Classification: Pathogenic for Breast-ovarian cancer, familial, susceptibility to, 1. Last evaluated: 2020-03-02. Review status: no assertion criteria provided. Collection method: clinical testing. Allele origin: germline. Affected: yes. Not counted in ClinVar's aggregate classification.

Research Molecular Genetics Laboratory, Women's College Hospital, University of Toronto
Classification: Pathogenic for Hereditary breast ovarian cancer syndrome. Last evaluated: 2014-01-31. Review status: no assertion criteria provided. Collection method: research. Allele origin: germline. Affected: yes. Study: The Canadian Open Genetics Repository (COGR). Not counted in ClinVar's aggregate classification.

Sharing Clinical Reports Project (SCRP)
Classification: Pathogenic for Breast-ovarian cancer, familial 1. Last evaluated: 2012-05-01. Review status: no assertion criteria provided. Collection method: clinical testing. Allele origin: germline. Not counted in ClinVar's aggregate classification.

Breast Cancer Information Core (BIC) (BRCA1)
Classification: Pathogenic for Breast-ovarian cancer, familial 1. Last evaluated: 2002-05-29. Review status: no assertion criteria provided. Collection method: clinical testing. Allele origin: germline. Affected: yes. Observed: 62 variant alleles. Not counted in ClinVar's aggregate classification.

Clinical Genetics DNA and cytogenetics Diagnostics Lab, Erasmus MC, Erasmus Medical Center
Classification: Pathogenic. Review status: no assertion criteria provided. Collection method: clinical testing. Allele origin: germline. Affected: yes. Study: VKGL Data-share Consensus. Not counted in ClinVar's aggregate classification.

Department of Pathology and Laboratory Medicine, Sinai Health System
Classification: Uncertain significance. Review status: no assertion criteria provided. Collection method: clinical testing. Allele origin: unknown. Affected: yes. Observed: 2 variant alleles. Study: The Canadian Open Genetics Repository (COGR). Not counted in ClinVar's aggregate classification.

Diagnostic Laboratory, Department of Genetics, University Medical Center Groningen
Classification: Pathogenic for Breast-ovarian cancer, familial, susceptibility to, 1. Review status: no assertion criteria provided. Collection method: clinical testing. Allele origin: germline. Affected: yes. Study: VKGL Data-share Consensus. Not counted in ClinVar's aggregate classification.

Joint Genome Diagnostic Labs from Nijmegen and Maastricht, Radboudumc and MUMC+
Classification: Pathogenic. Review status: no assertion criteria provided. Collection method: clinical testing. Allele origin: germline. Affected: yes. Study: VKGL Data-share Consensus. Not counted in ClinVar's aggregate classification.

Literature cited by the submitters: PubMed 20104584 (cited by 5 submitters); PubMed 9333265 (cited by 5 submitters); PubMed 22009639 (cited by 3 submitters); PubMed 23961350 (cited by 5 submitters); PubMed 24504028 (cited by 9 submitters); PubMed 25823446 (cited by 5 submitters); PubMed 26681312 (cited by 7 submitters); PubMed 29176636 (cited by 3 submitters); PubMed 29506128 (cited by 3 submitters); PubMed 23884708 (cited by 4 submitters); PubMed 10528853 (cited by Quest Diagnostics Nichols Institute San Juan Capistrano); PubMed 18680205 (cited by 3 submitters); PubMed 25085752 (cited by Quest Diagnostics Nichols Institute San Juan Capistrano); PubMed 25503966 (cited by Quest Diagnostics Nichols Institute San Juan Capistrano); PubMed 25525159 (cited by Quest Diagnostics Nichols Institute San Juan Capistrano); PubMed 29446198 (cited by 4 submitters); PubMed 29961768 (cited by 3 submitters); PubMed 30093976 (cited by Quest Diagnostics Nichols Institute San Juan Capistrano); PubMed 30787465 (cited by Quest Diagnostics Nichols Institute San Juan Capistrano); PubMed 30875412 (cited by Quest Diagnostics Nichols Institute San Juan Capistrano); PubMed 32338768 (cited by Quest Diagnostics Nichols Institute San Juan Capistrano); PubMed 32719484 (cited by Quest Diagnostics Nichols Institute San Juan Capistrano); PubMed 32918181 (cited by Quest Diagnostics Nichols Institute San Juan Capistrano); PubMed 33087929 (cited by Quest Diagnostics Nichols Institute San Juan Capistrano); PubMed 36169650 (cited by Quest Diagnostics Nichols Institute San Juan Capistrano); PubMed 12393792 (cited by 4 submitters); PubMed 26295337 (cited by Quest Diagnostics Nichols Institute San Juan Capistrano); PubMed 23199084 (cited by 4 submitters); PubMed 26833046 (cited by 3 submitters); PubMed 33471991 (cited by All of Us Research Program, National Institutes of Health and Color Diagnostics, LLC DBA Color Health); PubMed 27836010 (cited by Ambry Genetics); PubMed 12700893 (cited by Women's Health and Genetics/Laboratory Corporation of America, LabCorp); PubMed 16267036 (cited by Women's Health and Genetics/Laboratory Corporation of America, LabCorp); PubMed 21702907 (cited by Women's Health and Genetics/Laboratory Corporation of America, LabCorp).